The following is an entry in ClinVar:

ClinVar aggregate classification (germline): Uncertain significance (1 of 4 stars; one submission).

Conditions:
RASopathy. Also called: Noonan spectrum disorder; rasopathies. Identifiers: Orphanet 536391, MedGen C5555857, MONDO:0021060.

Allele frequency attached by ClinVar (database versions not stated): TOPMed below 0.00001; gnomAD 0.00001.
gnomAD v4.1: 1 of 1,613,970 alleles (0.000062%); highest among the groups gnomAD compares: Non-Finnish European, 0.000085%; no homozygotes.

Submission:

Labcorp Genetics (formerly Invitae), Labcorp
Classification: Uncertain significance for RASopathy. Last evaluated: 2022-03-19. Review status: criteria provided, single submitter. Criteria: Invitae Variant Classification Sherloc (09022015). Collection method: clinical testing. Allele origin: germline.
Comment: In summary, the available evidence is currently insufficient to determine the role of this variant in disease. Therefore, it has been classified as a Variant of Uncertain Significance. Advanced modeling of protein sequence and biophysical properties (such as structural, functional, and spatial information, amino acid conservation, physicochemical variation, residue mobility, and thermodynamic stability) performed at Invitae indicates that this missense variant is not expected to disrupt SOS1 protein function. This variant has not been reported in the literature in individuals affected with SOS1-related conditions. This variant is not present in population databases (gnomAD no frequency). This sequence change replaces serine, which is neutral and polar, with glycine, which is neutral and non-polar, at codon 1075 of the SOS1 protein (p.Ser1075Gly).

NM_005633.4(SOS1):c.3223A>G (p.Ser1075Gly)

Gene: SOS1 (SOS Ras/Rac guanine nucleotide exchange factor 1; minus strand). Cytogenetic location: 2p22.1.
Variant type: single nucleotide variant.
Coding change: c.3223A>G on transcript NM_005633.4 (MANE Select); coding-DNA position 3223, A replaced by G.
Protein change: p.Ser1075Gly; replaces serine 1075 with glycine.
Molecular consequence: missense variant.
Genome position (GRCh38, 1-based): chr2:38,995,246, T>C on the plus strand (A>G on the coding strand, the complement: SOS1 is on the minus strand). VCF-style: chr2-38995246-T-C. GRCh37 (hg19) VCF-style: chr2-39222387-T-C.
Other names: c.3202A>G, p.Ser1068Gly (NM_001382394.1); c.3223A>G, p.Ser1075Gly (NM_001382395.1); short protein forms S1068G, S1075G.
Identifiers: ClinVar variation 1932845 (VCV001932845.5), dbSNP rs1668855571, ClinGen allele CA346360745.